The following is an entry in ClinVar:

ClinVar aggregate classification (germline): Uncertain significance (1 of 4 stars; one submission).

Conditions:
Autoimmune lymphoproliferative syndrome type 2A (ALPS2A). Also called: Autoimmune lymphoproliferative syndrome type 2; CASP10-Related Autoimmune Lymphoproliferative Syndrome; AUTOIMMUNE LYMPHOPROLIFERATIVE SYNDROME, TYPE IIA. Identifiers: Orphanet 3261, MedGen C1858968, MONDO:0011383, OMIM 603909.

Allele frequency attached by ClinVar (database versions not stated): gnomAD exomes below 0.00001; ExAC 0.00001; TOPMed 0.00001; 1000 Genomes Project 0.00020; 1000 Genomes Project 30x 0.00031.

Submission:

Labcorp Genetics (formerly Invitae), Labcorp
Classification: Uncertain significance for Autoimmune lymphoproliferative syndrome type 2A. Last evaluated: 2025-09-15. Review status: criteria provided, single submitter. Criteria: Invitae Variant Classification Sherloc (09022015). Collection method: clinical testing. Allele origin: germline.
Comment: This sequence change replaces histidine, which is basic and polar, with arginine, which is basic and polar, at codon 473 of the CASP10 protein (p.His473Arg). This variant is present in population databases (rs538186121, gnomAD 0.007%). This variant has not been reported in the literature in individuals affected with CASP10-related conditions. ClinVar contains an entry for this variant (Variation ID: 958661). An algorithm developed to predict the effect of missense changes on protein structure and function outputs the following: PolyPhen-2: "Benign". The arginine amino acid residue is found in multiple mammalian species, which suggests that this missense change does not adversely affect protein function. In summary, the available evidence is currently insufficient to determine the role of this variant in disease. Therefore, it has been classified as a Variant of Uncertain Significance.

NM_032977.4(CASP10):c.1418A>G (p.His473Arg)

Gene: CASP10 (caspase 10; plus strand). Cytogenetic location: 2q33.1.
Variant type: single nucleotide variant.
Coding change: c.1418A>G on transcript NM_032977.4 (MANE Select); coding-DNA position 1418, A replaced by G.
Protein change: p.His473Arg; replaces histidine 473 with arginine.
Molecular consequence: missense variant. On other transcripts: 3 prime UTR variant (1), intron variant (2).
Genome position (GRCh38, 1-based): chr2:201,217,590, A>G. VCF-style: chr2-201217590-A-G. GRCh37 (hg19) VCF-style: chr2-202082313-A-G.
Other names: c.1217A>G, p.His406Arg (NM_001206524.2); c.1289A>G, p.His430Arg (NM_001230.5); c.*504A>G (NM_032976.4); c.1415+8028A>G (NM_032974.5); c.1286+8028A>G (NM_001206542.2); short protein forms H430R, H473R, H406R.
Identifiers: ClinVar variation 958661 (VCV000958661.12), dbSNP rs538186121, ClinGen allele CA2053268.